The following is an entry in ClinVar:

NM_001430.5(EPAS1):c.2216G>A (p.Arg739Gln)

Gene: EPAS1 (endothelial PAS domain protein 1; plus strand). Cytogenetic location: 2p21.
Variant type: single nucleotide variant.
Coding change: c.2216G>A on transcript NM_001430.5 (MANE Select); coding-DNA position 2216, G replaced by A.
Protein change: p.Arg739Gln; replaces arginine 739 with glutamine.
Molecular consequence: missense variant.
Genome position (GRCh38, 1-based): chr2:46,382,018, G>A. VCF-style: chr2-46382018-G-A. GRCh37 (hg19) VCF-style: chr2-46609157-G-A.
Other names: short protein forms R739Q.
Identifiers: ClinVar variation 1787845 (VCV001787845.2), dbSNP rs1183602467, ClinGen allele CA346705789.

ClinVar aggregate classification (germline): Uncertain significance (1 of 4 stars; one submission).

Conditions:
Inborn genetic diseases. Identifiers: MedGen C0950123, MeSH D030342.

Submission:

Ambry Genetics
Classification: Uncertain significance for Inborn genetic diseases. Last evaluated: 2023-11-01. Review status: criteria provided, single submitter. Criteria: Ambry Variant Classification Scheme 2023. Collection method: clinical testing. Allele origin: germline.
Comment: The p.R739Q variant (also known as c.2216G>A), located in coding exon 14 of the EPAS1 gene, results from a G to A substitution at nucleotide position 2216. The arginine at codon 739 is replaced by glutamine, an amino acid with highly similar properties. This amino acid position is conserved. In addition, the in silico prediction for this alteration is inconclusive. Since supporting evidence is limited at this time, the clinical significance of this alteration remains unclear.